The following is an entry in ClinVar:

NM_001256627.2(BRSK2):c.2090C>T (p.Ala697Val)

Gene: BRSK2 (BR serine/threonine kinase 2; plus strand). Cytogenetic location: 11p15.5.
Variant type: single nucleotide variant.
Coding change: c.2090C>T on transcript NM_001256627.2 (MANE Select); coding-DNA position 2090, C replaced by T.
Protein change: p.Ala697Val; replaces alanine 697 with valine.
Molecular consequence: missense variant. On other transcripts: intron variant (3).
Genome position (GRCh38, 1-based): chr11:1,460,602, C>T. VCF-style: chr11-1460602-C-T. GRCh37 (hg19) VCF-style: chr11-1481832-C-T.
Other names: c.2180C>T, p.Ala727Val (NM_001256630.1); c.*10-368C>T (NM_001256629.2, NM_001282218.2); c.1988-368C>T (NM_003957.4); short protein forms A697V, A727V.
Identifiers: ClinVar variation 2632577 (VCV002632577.2), dbSNP rs2539853588, ClinGen allele CA379082103.

ClinVar aggregate classification (germline): Uncertain significance (1 of 4 stars; one submission).

Conditions:
BRSK2-related disorder. Also called: BRSK2-related condition; BRSK2-Related Disorders.

Submission:

PreventionGenetics, part of Exact Sciences
Classification: Uncertain significance for BRSK2-related condition. Last evaluated: 2026-09-04. Review status: criteria provided, single submitter. Criteria: ACMG Guidelines, 2015. Collection method: clinical testing. Allele origin: germline.
Comment: The BRSK2 c.2090C>T variant is predicted to result in the amino acid substitution p.Ala697Val. To our knowledge, this variant has not been reported in the literature or in a large population database (gnomAD), indicating this variant is rare. At this time, the clinical significance of this variant is uncertain due to the absence of conclusive functional and genetic evidence.